The following is an entry in ClinVar:

ClinVar aggregate classification (germline): Likely pathogenic. Review status: criteria provided, multiple submitters, no conflicts (2 of 4 stars). 4 submissions from 4 submitters: Likely pathogenic (3). 1 of the submissions does not count toward it. Last evaluated 2026-07-08.

Conditions:
Congenital factor VII deficiency. Identifiers: Orphanet 327, MedGen C0272320, MONDO:0009211, OMIM 227500.
Myocardial infarction, susceptibility to. Identifiers: MedGen C1832662, MONDO:0012039, OMIM 608446.
F7-related disorder. Also called: F7-related condition.

Submissions (4):

GeneDx
Classification: Likely pathogenic. Last evaluated: 2026-07-08. Review status: criteria provided, single submitter. Criteria: GeneDx Variant Classification Process June 2021. Collection method: clinical testing. Allele origin: germline.
Comment: Has been reported in the homozygous state or with a second variant, although phase was not confirmed in all cases, in multiple unrelated patients with F7-related factor VII deficiency (PMID: 26083983, 36951360, 28164683, 10959697, 36760778); In silico analysis supports that this missense variant has a deleterious effect on protein structure/function; This variant is associated with the following publications: (PMID: 24805822, 10959697, 36951360, 38202056, 6229963, 37647632, 26083983, Ye2024[CaseReport], 38783550, 36760778, 28164683)

3billion
Classification: Likely pathogenic for Congenital factor VII deficiency. Last evaluated: 2025-06-05. Review status: criteria provided, single submitter. Criteria: ACMG Guidelines, 2015. Collection method: clinical testing. Allele origin: germline. Affected: yes.
Comment: The variant is observed at an extremely low frequency in the gnomAD v4.1.0 dataset (total allele frequency: 0.003%). Predicted Consequence/Location: Missense variant In silico tool predictions suggest damaging effect of the variant on gene or gene product [REVEL: 0.68 (>=0.6, sensitivity 0.68 and specificity 0.92)]. The same nucleotide change resulting in the same amino acid change has been previously reported to be associated with F7-related disorder (ClinVar ID: VCV003351690 /PMID: 10959697).The variant has been reported to be in trans with a pathogenic variant as either compound heterozygous or homozygous in at least one similarly affected unrelated individual (PMID: 36760778). Therefore, this variant is classified as Likely pathogenic according to the recommendation of ACMG/AMP guideline.

Juno Genomics, Hangzhou Juno Genomics, Inc
Classification: Likely pathogenic for Myocardial infarction, susceptibility to; Congenital factor VII deficiency. Review status: criteria provided, single submitter. Criteria: ACMG Guidelines, 2015. Collection method: clinical testing. Allele origin: germline.
Comment: Absent from controls (or at extremely low frequency if recessive) in Genome Aggregation Database.;Multiple lines of computational evidence support a deleterious effect on the gene or gene product.;For recessive disorders, detected in trans with a pathogenic variant.;Patient's phenotype or family history is highly specific for a disease with a single genetic etiology.;Located in a mutational hot spot and/or critical and well-established functional domain without benign variation.

PreventionGenetics, part of Exact Sciences
Classification: Likely pathogenic for F7-related condition. Last evaluated: 2024-07-28. Review status: no assertion criteria provided. Collection method: clinical testing. Allele origin: germline. Not counted in ClinVar's aggregate classification.
Comment: The F7 c.1009C>T variant is predicted to result in the amino acid substitution p.Arg337Cys. This variant is also described using legacy nomenclature as p.Arg277Cys, has been reported in the homozygous or compound heterozygous states in multiple individuals with Factor VII deficiency (Hao et al. 2015. PubMed ID: 26083983; Peyvandi et al. 2000. PubMed ID: 10959697; et al. 2022. PubMed ID: 36760778). A different missense variant affecting the same amino acid (p.Arg277His) has been reported in at least one individual with Factor VII deficiency (Tamary et al. 2000. PubMed ID: 11920218) suggesting that substitution of amino acid residue p.Arg337 is not tolerated. This variant is reported in 0.085% of alleles in individuals of East Asian descent in gnomAD. This variant is interpreted as likely pathogenic.

Literature cited by the submitters: PubMed 36760778 (cited by 3billion); PubMed 10959697 (cited by 3billion).

NM_019616.4(F7):c.943C>T (p.Arg315Cys)

Gene: F7 (coagulation factor VII; plus strand). Cytogenetic location: 13q34.
Variant type: single nucleotide variant.
Coding change: c.943C>T on transcript NM_019616.4 (MANE Select); coding-DNA position 943, C replaced by T.
Protein change: p.Arg315Cys; replaces arginine 315 with cysteine.
Molecular consequence: missense variant. On other transcripts: non-coding transcript variant (1).
Genome position (GRCh38, 1-based): chr13:113,118,616, C>T. VCF-style: chr13-113118616-C-T. GRCh37 (hg19) VCF-style: chr13-113772930-C-T.
Other names: c.1009C>T, p.Arg337Cys (NM_000131.5); c.757C>T, p.Arg253Cys (NM_001267554.2); short protein forms R253C, R315C, R337C.
Identifiers: ClinVar variation 3351690 (VCV003351690.6).
Genomic context (GRCh38, chr13:113,118,616, plus strand): 5'-CATGTGGTGCCCCTCTGCCTGCCCGAACGGACGTTCTCTGAGAGGACGCTGGCCTTCGTG[C>T]GCTTCTCATTGGTCAGCGGCTGGGGCCAGCTGCTGGACCGTGGCGCCACGGCCCTGGAGC-3'
Protein context (NP_062562.1, residues 305-325): TFSERTLAFV[Arg315Cys]FSLVSGWGQL